The following is an entry in ClinVar:

ClinVar aggregate classification (germline): Uncertain significance (1 of 4 stars; one submission).

Allele frequency attached by ClinVar (database versions not stated): ExAC 0.00002; gnomAD exomes 0.00003.
gnomAD v4.1: 37 of 1,600,410 alleles (0.0023%); highest among the groups gnomAD compares: Non-Finnish European, 0.0031%; no homozygotes.

Submission:

Labcorp Genetics (formerly Invitae), Labcorp
Classification: Uncertain significance. Last evaluated: 2022-06-16. Review status: criteria provided, single submitter. Criteria: Invitae Variant Classification Sherloc (09022015). Collection method: clinical testing. Allele origin: germline.
Comment: Algorithms developed to predict the effect of missense changes on protein structure and function (SIFT, PolyPhen-2, Align-GVGD) all suggest that this variant is likely to be tolerated. This variant has not been reported in the literature in individuals affected with STT3A-related conditions. This variant is present in population databases (rs763378756, gnomAD 0.003%). This sequence change replaces isoleucine, which is neutral and non-polar, with valine, which is neutral and non-polar, at codon 323 of the STT3A protein (p.Ile323Val). In summary, the available evidence is currently insufficient to determine the role of this variant in disease. Therefore, it has been classified as a Variant of Uncertain Significance.

NM_152713.5(STT3A):c.967A>G (p.Ile323Val)

Gene: STT3A (STT3 oligosaccharyltransferase complex catalytic subunit A; plus strand). Cytogenetic location: 11q24.2.
Variant type: single nucleotide variant.
Coding change: c.967A>G on transcript NM_152713.5 (MANE Select); coding-DNA position 967, A replaced by G.
Protein change: p.Ile323Val; replaces isoleucine 323 with valine.
Molecular consequence: missense variant.
Genome position (GRCh38, 1-based): chr11:125,609,439, A>G. VCF-style: chr11-125609439-A-G. GRCh37 (hg19) VCF-style: chr11-125479334-A-G.
Other names: c.967A>G, p.Ile323Val (NM_001278503.2); c.691A>G, p.Ile231Val (NM_001278504.2); short protein forms I231V, I323V.
Identifiers: ClinVar variation 1905469 (VCV001905469.5), dbSNP rs763378756, ClinGen allele CA6348980.